The following is an entry in ClinVar:

NM_001042545.2(LTBP4):c.4020C>T (p.Pro1340=)

Gene: LTBP4 (latent transforming growth factor beta binding protein 4; plus strand). Cytogenetic location: 19q13.2.
Variant type: single nucleotide variant.
Coding change: c.4020C>T on transcript NM_001042545.2 (MANE Select); coding-DNA position 4020, C replaced by T.
Protein change: p.Pro1340=; no amino-acid change (proline 1340 retained).
Molecular consequence: synonymous variant.
Genome position (GRCh38, 1-based): chr19:40,627,009, C>T. VCF-style: chr19-40627009-C-T. GRCh37 (hg19) VCF-style: chr19-41132914-C-T.
Other names: c.4221C>T, p.Pro1407= (NM_001042544.1); c.4110C>T, p.Pro1370= (NM_003573.2).
Identifiers: ClinVar variation 4984810 (VCV004984810.1).
Genomic context (GRCh38, chr19:40,627,009, plus strand): 5'-TTGTTTGCCTTGGCTCCTGTTCCCAGATGACTTCGAGGCCCTGTGCAATGTGCTACGCCC[C>T]CCCGCATATAGCCCCCCGCGACCAGGTGGCTTTGGACTCCCCTACGAGTACGGCCCAGAC-3'
Protein context (NP_001036010.1, residues 1330-1350): DFEALCNVLR[Pro1340=]PAYSPPRPGG

ClinVar aggregate classification (germline): Likely benign (1 of 4 stars; one submission).

Conditions:
LTBP4-related disorder. Also called: LTBP4-related condition.

Submission:

PreventionGenetics, part of Exact Sciences
Classification: Likely benign for LTBP4-related condition. Last evaluated: 2024-11-04. Review status: criteria provided, single submitter. Criteria: ACMG Guidelines, 2015. Collection method: clinical testing. Allele origin: germline.
Comment: This variant is classified as likely benign based on ACMG/AMP sequence variant interpretation guidelines (Richards et al. 2015 PMID: 25741868, with internal and published modifications).